The following is an entry in ClinVar:

ClinVar aggregate classification (germline): Likely benign (1 of 4 stars; one submission).

Conditions:
SLC26A4-related disorder. Also called: SLC26A4-related condition; SLC26A4-related disorders.

gnomAD v4.1: 75 of 1,609,554 alleles (0.0047%); highest among the groups gnomAD compares: South Asian, 0.071%; 2 homozygotes.

Submission:

PreventionGenetics, part of Exact Sciences
Classification: Likely benign for SLC26A4-related condition. Last evaluated: 2026-05-22. Review status: criteria provided, single submitter. Criteria: ACMG Guidelines, 2015. Collection method: clinical testing. Allele origin: germline.
Comment: This variant is classified as likely benign based on ACMG/AMP sequence variant interpretation guidelines (Richards et al. 2015 PMID: 25741868, with internal and published modifications).

NM_000441.2(SLC26A4):c.918+45C>G

Gene: SLC26A4 (solute carrier family 26 member 4; plus strand). Cytogenetic location: 7q22.3.
Variant type: single nucleotide variant.
Coding change: c.918+45C>G on transcript NM_000441.2 (MANE Select); 45 bases into the intron after coding-DNA position 918, C replaced by G.
Molecular consequence: intron variant.
Genome position (GRCh38, 1-based): chr7:107,683,399, C>G. VCF-style: chr7-107683399-C-G. GRCh37 (hg19) VCF-style: chr7-107323844-C-G.
Identifiers: ClinVar variation 4978038 (VCV004978038.1).